The following is an entry in ClinVar:

NM_001393769.1(MED12L):c.3494G>T (p.Arg1165Leu)

Genes: MED12L (mediator complex subunit 12L; plus strand), P2RY12 (purinergic receptor P2Y12; minus strand). Cytogenetic location: 3q25.1.
Variant type: single nucleotide variant.
Coding change: c.3494G>T on transcript NM_001393769.1 (MANE Select); coding-DNA position 3494, G replaced by T.
Protein change: p.Arg1165Leu; replaces arginine 1165 with leucine.
Molecular consequence: missense variant. On other transcripts: intron variant (1).
Genome position (GRCh38, 1-based): chr3:151,368,195, G>T. VCF-style: chr3-151368195-G-T. GRCh37 (hg19) VCF-style: chr3-151085983-G-T.
Other names: c.3389G>T, p.Arg1130Leu (NM_053002.6); c.-180+16497C>A (NM_022788.5); short protein forms R1165L, R1130L.
Identifiers: ClinVar variation 5008858 (VCV005008858.1).

ClinVar aggregate classification (germline): Uncertain significance (1 of 4 stars; one submission).

Submission:

GeneDx
Classification: Uncertain significance. Last evaluated: 2026-03-09. Review status: criteria provided, single submitter. Criteria: GeneDx Variant Classification Process June 2021. Collection method: clinical testing. Allele origin: germline.
Comment: Not observed at significant frequency in large population cohorts (gnomAD); In silico analysis supports that this missense variant has a deleterious effect on protein structure/function; Has not been previously published as pathogenic or benign to our knowledge